The following is an entry in ClinVar:

NM_002529.4(NTRK1):c.1661G>T (p.Arg554Leu)

Gene: NTRK1 (neurotrophic receptor tyrosine kinase 1; plus strand). Cytogenetic location: 1q23.1.
Variant type: single nucleotide variant.
Coding change: c.1661G>T on transcript NM_002529.4 (MANE Select); coding-DNA position 1661, G replaced by T.
Protein change: p.Arg554Leu; replaces arginine 554 with leucine.
Molecular consequence: missense variant.
Genome position (GRCh38, 1-based): chr1:156,876,428, G>T. VCF-style: chr1-156876428-G-T. GRCh37 (hg19) VCF-style: chr1-156846220-G-T.
Other names: c.1553G>T, p.Arg518Leu (NM_001007792.1); c.1643G>T, p.Arg548Leu (NM_001012331.2); short protein forms R548L, R554L, R518L.
Identifiers: ClinVar variation 971789 (VCV000971789.9), dbSNP rs764417252, ClinGen allele CA342938444.
Genomic context (GRCh38, chr1:156,876,428, plus strand): 5'-AACTCAGTCCTGTCCCTGCCGCTTCCATCCAGGCACTGAAGGAGGCGTCCGAGAGTGCTC[G>T]GCAGGACTTCCAGCGTGAGGCTGAGCTGCTCACCATGCTGCAGCACCAGCACATCGTGCG-3'
Protein context (NP_002520.2, residues 544-564): KALKEASESA[Arg554Leu]QDFQREAELL

ClinVar aggregate classification (germline): Uncertain significance. Review status: criteria provided, single submitter (1 of 4 stars). 2 submissions from 2 submitters: Uncertain significance (1). 1 of the submissions does not count toward it. Last evaluated 2021-09-01.

Conditions:
Hereditary insensitivity to pain with anhidrosis (CIPA). Also called: NTRK1 Congenital Insensitivity to Pain with Anhidrosis; FAMILIAL DYSAUTONOMIA, TYPE II; NEUROPATHY, CONGENITAL SENSORY, WITH ANHIDROSIS; hereditary sensory and autonomic neuropathy type 4; HSAN Type IV; INSENSITIVITY TO PAIN, CONGENITAL, WITH ANHIDROSIS. Identifiers: Orphanet 642, MedGen C0020074, MONDO:0009746, OMIM 256800.

Submissions (2):

Labcorp Genetics (formerly Invitae), Labcorp
Classification: Uncertain significance for Hereditary insensitivity to pain with anhidrosis. Last evaluated: 2021-09-01. Review status: criteria provided, single submitter. Criteria: Invitae Variant Classification Sherloc (09022015). Collection method: clinical testing. Allele origin: germline.
Comment: This sequence change replaces arginine with leucine at codon 548 of the NTRK1 protein (p.Arg548Leu). The arginine residue is highly conserved and there is a moderate physicochemical difference between arginine and leucine. This variant is not present in population databases (ExAC no frequency). This variant has not been reported in the literature in individuals affected with NTRK1-related conditions. Algorithms developed to predict the effect of missense changes on protein structure and function (SIFT, PolyPhen-2, Align-GVGD) all suggest that this variant is likely to be disruptive. In summary, the available evidence is currently insufficient to determine the role of this variant in disease. Therefore, it has been classified as a Variant of Uncertain Significance.

Natera, Inc.
Classification: Uncertain significance for Hereditary insensitivity to pain with anhidrosis. Last evaluated: 2020-10-21. Review status: no assertion criteria provided. Collection method: clinical testing. Allele origin: germline. Not counted in ClinVar's aggregate classification.